The following is an entry in ClinVar:

ClinVar aggregate classification (germline): Uncertain significance (1 of 4 stars; one submission).

Conditions:
Hereditary spastic paraplegia 7 (SPG7). Also called: Spastic paraplegia 7; Hereditary spastic paraplegia Paraplegin type; SPG7-related neurologic disorder; SPASTIC PARAPLEGIA 7, AUTOSOMAL RECESSIVE, WITH OR WITHOUT CEREBELLAR ATAXIA; Autosomal recessive spastic paraplegia type 7. Identifiers: Orphanet 99013, MedGen C1846564, MONDO:0011803, OMIM 607259.

Submission:

Labcorp Genetics (formerly Invitae), Labcorp
Classification: Uncertain significance for Hereditary spastic paraplegia 7. Last evaluated: 2024-01-02. Review status: criteria provided, single submitter. Criteria: Invitae Variant Classification Sherloc (09022015). Collection method: clinical testing. Allele origin: germline.
Comment: This sequence change falls in intron 4 of the SPG7 gene. It does not directly change the encoded amino acid sequence of the SPG7 protein. This variant is present in population databases (rs764377555, gnomAD 0.004%). This variant has not been reported in the literature in individuals affected with SPG7-related conditions. ClinVar contains an entry for this variant (Variation ID: 2149940). In summary, the available evidence is currently insufficient to determine the role of this variant in disease. Therefore, it has been classified as a Variant of Uncertain Significance.

NM_003119.4(SPG7):c.618+14_618+36del

Gene: SPG7 (SPG7 matrix AAA peptidase subunit, paraplegin; plus strand). Cytogenetic location: 16q24.3.
Variant type: Deletion.
Coding change: c.618+14_618+36del on transcript NM_003119.4 (MANE Select); bases 14 to 36 of the intron after coding-DNA position 618, 23 bases deleted (CGGGAGGCCTGTGAGTGAGGGTG).
Molecular consequence: splice donor variant.
Genome position (GRCh38, 1-based): chr16:89,524,261-89,524,283, CGGGAGGCCTGTGAGTGAGGGTG deleted; deleting any 23 consecutive bases within chr16:89,524,243-89,524,283 gives the same sequence; the c. name uses the placement nearest the transcript's 3' end. VCF-style (leftmost placement, unchanged base first): chr16-89524242-CGGCCTGTGAGTGAGGGTGCGGGA-C. GRCh37 (hg19) VCF-style: chr16-89590650-CGGCCTGTGAGTGAGGGTGCGGGA-C.
Other names: c.618+14_618+36del (NM_001363850.1, NM_199367.3).
Identifiers: ClinVar variation 2149940 (VCV002149940.4), dbSNP rs764377555, ClinGen allele CA8243685.